The following is an entry in ClinVar:

ClinVar aggregate classification (germline): Uncertain significance. Review status: criteria provided, multiple submitters, no conflicts (2 of 4 stars). 2 submissions from 2 submitters: Uncertain significance (2). Last evaluated 2025-11-27.

Conditions:
Inborn genetic diseases. Identifiers: MedGen C0950123, MeSH D030342.

gnomAD v4.1: 7 of 1,610,518 alleles (0.00043%); highest among the groups gnomAD compares: Non-Finnish European, 0.00017%; no homozygotes.

Submissions (2):

Labcorp Genetics (formerly Invitae), Labcorp
Classification: Uncertain significance. Last evaluated: 2025-11-27. Review status: criteria provided, single submitter. Criteria: Invitae Variant Classification Sherloc (09022015). Collection method: clinical testing. Allele origin: germline.
Comment: This sequence change replaces aspartic acid, which is acidic and polar, with asparagine, which is neutral and polar, at codon 270 of the HARS2 protein (p.Asp270Asn). This variant is present in population databases (rs372235311, gnomAD 0.01%). This variant has not been reported in the literature in individuals affected with HARS2-related conditions. ClinVar contains an entry for this variant (Variation ID: 4268831). Invitae Evidence Modeling of protein sequence and biophysical properties (such as structural, functional, and spatial information, amino acid conservation, physicochemical variation, residue mobility, and thermodynamic stability) indicates that this missense variant is not expected to disrupt HARS2 protein function with a negative predictive value of 80%. In summary, the available evidence is currently insufficient to determine the role of this variant in disease. Therefore, it has been classified as a Variant of Uncertain Significance.

Ambry Genetics
Classification: Uncertain significance for Inborn genetic diseases. Last evaluated: 2025-08-13. Review status: criteria provided, single submitter. Criteria: Ambry Variant Classification Scheme 2023. Collection method: clinical testing. Allele origin: germline.

NM_012208.4(HARS2):c.808G>A (p.Asp270Asn)

Gene: HARS2 (histidyl-tRNA synthetase 2, mitochondrial; plus strand). Cytogenetic location: 5q31.3.
Variant type: single nucleotide variant.
Coding change: c.808G>A on transcript NM_012208.4 (MANE Select); coding-DNA position 808, G replaced by A.
Protein change: p.Asp270Asn; replaces aspartic acid 270 with asparagine.
Molecular consequence: missense variant.
Genome position (GRCh38, 1-based): chr5:140,696,596, G>A. VCF-style: chr5-140696596-G-A. GRCh37 (hg19) VCF-style: chr5-140076181-G-A.
Other names: c.733G>A, p.Asp245Asn (NM_001278731.2); c.376G>A, p.Asp126Asn (NM_001278732.2); c.826G>A, p.Asp276Asn (NM_001363535.2); c.598G>A, p.Asp200Asn (NM_001363536.2); short protein forms D126N, D245N, D276N, D200N, D270N.
Identifiers: ClinVar variation 4268831 (VCV004268831.2).